The following is an entry in ClinVar:

NM_031885.3(BBS2):c.-225C>T

Gene: BBS2 (Bardet-Biedl syndrome 2; minus strand). Cytogenetic location: 16q13.
Variant type: single nucleotide variant.
Coding change: c.-225C>T on transcript NM_031885.3; 225 bases upstream of the start codon, C replaced by T.
Genome position (GRCh38, 1-based): chr16:56,520,087, G>A on the plus strand (C>T on the coding strand, the complement: BBS2 is on the minus strand). VCF-style: chr16-56520087-G-A. GRCh37 (hg19) VCF-style: chr16-56553999-G-A.
Identifiers: ClinVar variation 319885 (VCV000319885.7), dbSNP rs117744577, ClinGen allele CA10647789.

ClinVar aggregate classification (germline): Benign (1 of 4 stars; one submission).

Conditions:
Bardet-Biedl syndrome 2 (BBS2). Identifiers: Orphanet 110, MedGen C2936863, MONDO:0014432, OMIM 615981.

Allele frequency attached by ClinVar (database versions not stated): gnomAD exomes 0.00710; 1000 Genomes Project 0.01777; gnomAD 0.00111 and 0.00309; 1000 Genomes Project 30x 0.01780; TOPMed 0.00180.

Submission:

Illumina Laboratory Services, Illumina
Classification: Benign for Bardet-Biedl syndrome 2. Last evaluated: 2018-01-13. Review status: criteria provided, single submitter. Criteria: ICSL Variant Classification Criteria 13 December 2019. Collection method: clinical testing. Allele origin: germline.
Comment: This variant was observed in the ICSL laboratory as part of a predisposition screen in an ostensibly healthy population. It had not been previously curated by ICSL or reported in the Human Gene Mutation Database (HGMD: prior to June 1st, 2018), and was therefore a candidate for classification through an automated scoring system. Utilizing variant allele frequency, disease prevalence and penetrance estimates, and inheritance mode, an automated score was calculated to assess if this variant is too frequent to cause the disease. Based on the score and internal cut-off values, a variant classified as benign is not then subjected to further curation. The score for this variant resulted in a classification of benign for this disease.